The following is an entry in ClinVar:

NM_201596.3(CACNB2):c.671-264T>C

Gene: CACNB2 (calcium voltage-gated channel auxiliary subunit beta 2; plus strand). Cytogenetic location: 10p12.31.
Variant type: single nucleotide variant.
Coding change: c.671-264T>C on transcript NM_201596.3 (MANE Select); 264 bases into the intron before coding-DNA position 671, T replaced by C.
Molecular consequence: intron variant.
Genome position (GRCh38, 1-based): chr10:18,513,972, T>C. VCF-style: chr10-18513972-T-C. GRCh37 (hg19) VCF-style: chr10-18802901-T-C.
Other names: c.587-264T>C (NM_201571.4); c.587-539T>C (NM_001167945.2); c.587-1008T>C (NM_201572.4); c.671-539T>C (NM_201593.3); c.671-1008T>C (NM_201597.3); c.506-264T>C (NM_000724.4); c.506-539T>C (NM_001330060.2); c.509-264T>C (NM_201590.3); and 1 more.
Identifiers: ClinVar variation 669663 (VCV000669663.1), dbSNP rs78940411, ClinGen allele CA13339853.
Genomic context (GRCh38, chr10:18,513,972, plus strand): 5'-CTTTTATACAGTTGATACAGAGAAAATCAACATTATATTTGAAACTACAGATTTAAAATG[T>C]TTCTCTGAAAATATTCAAGACGTCTAGCATGAAACTGATTCATTCAAGCAAACAGATTAT-3'

ClinVar aggregate classification (germline): Benign (1 of 4 stars; one submission).

Allele frequency attached by ClinVar (database versions not stated): 1000 Genomes Project 0.02835; 1000 Genomes Project 30x 0.02889; TOPMed 0.05146; gnomAD 0.05247 and 0.05430.

Submission:

GeneDx
Classification: Benign. Last evaluated: 2018-06-14. Review status: criteria provided, single submitter. Criteria: GeneDx Variant Classification (06012015). Collection method: clinical testing. Allele origin: germline. Affected: yes.
Comment: This variant is considered likely benign or benign based on one or more of the following criteria: it is a conservative change, it occurs at a poorly conserved position in the protein, it is predicted to be benign by multiple in silico algorithms, and/or has population frequency not consistent with disease.